The following is an entry in ClinVar:

ClinVar aggregate classification (germline): Uncertain significance (1 of 4 stars; one submission).

Submission:

GeneDx
Classification: Uncertain significance. Last evaluated: 2019-08-22. Review status: criteria provided, single submitter. Criteria: GeneDx Variant Classification Process June 2021. Collection method: clinical testing. Allele origin: germline. Affected: yes.
Comment: Not observed in large population cohorts (Lek et al., 2016); In silico analysis, which includes protein predictors and evolutionary conservation, supports a deleterious effect; Has not been previously published as pathogenic or benign to our knowledge

NM_002471.4(MYH6):c.722A>G (p.Asn241Ser)

Gene: MYH6 (myosin heavy chain 6; minus strand). Cytogenetic location: 14q11.2.
Variant type: single nucleotide variant.
Coding change: c.722A>G on transcript NM_002471.4 (MANE Select); coding-DNA position 722, A replaced by G.
Protein change: p.Asn241Ser; replaces asparagine 241 with serine.
Molecular consequence: missense variant.
Genome position (GRCh38, 1-based): chr14:23,404,309, T>C on the plus strand (A>G on the coding strand, the complement: MYH6 is on the minus strand). VCF-style: chr14-23404309-T-C. GRCh37 (hg19) VCF-style: chr14-23873518-T-C.
Other names: short protein forms N241S.
Identifiers: ClinVar variation 1303367 (VCV001303367.2), dbSNP rs2138618124, ClinGen allele CA389028917.